The following is an entry in ClinVar:

NM_144498.4(OSBPL2):c.*23C>T

Gene: OSBPL2 (oxysterol binding protein like 2; plus strand). Cytogenetic location: 20q13.33.
Variant type: single nucleotide variant.
Coding change: c.*23C>T on transcript NM_144498.4 (MANE Select); 23 bases downstream of the stop codon, C replaced by T.
Molecular consequence: 3 prime UTR variant. On other transcripts: missense variant (1).
Genome position (GRCh38, 1-based): chr20:62,293,910, C>T. VCF-style: chr20-62293910-C-T. GRCh37 (hg19) VCF-style: chr20-60868966-C-T.
Other names: c.1066C>T, p.Arg356Trp (NM_001278649.3); c.*23C>T (NM_001363878.2, NM_014835.5); short protein forms R356W.
Identifiers: ClinVar variation 667057 (VCV000667057.8), dbSNP rs115390538, ClinGen allele CA9938842.

ClinVar aggregate classification (germline): Benign/Likely benign. Review status: criteria provided, multiple submitters, no conflicts (2 of 4 stars). 3 submissions from 3 submitters: Benign (1); Likely benign (2). Last evaluated 2026-05-01.

Allele frequency attached by ClinVar (database versions not stated): 1000 Genomes Project 0.00200; 1000 Genomes Project 30x 0.00203; TOPMed 0.00333; ESP Exome Variant Server 0.00508.
gnomAD v4.1: 1,007 of 1,609,748 alleles (0.063%); highest among the groups gnomAD compares: African/African-American, 1.1%; 6 homozygotes.

Submissions (3):

CeGaT Center for Human Genetics Tuebingen
Classification: Likely benign. Last evaluated: 2026-05-01. Review status: criteria provided, single submitter. Criteria: CeGaT Center For Human Genetics Tuebingen Variant Classification Criteria Version 2. Collection method: clinical testing. Allele origin: germline. Affected: yes. Observed: 1 variant allele.
Comment: OSBPL2: BP4, BS1

GeneDx
Classification: Likely benign. Last evaluated: 2019-09-02. Review status: criteria provided, single submitter. Criteria: GeneDx Variant Classification Process June 2021. Collection method: clinical testing. Allele origin: germline. Affected: yes.

Laboratory for Molecular Medicine, Mass General Brigham Personalized Medicine
Classification: Benign. Last evaluated: 2017-08-23. Review status: criteria provided, single submitter. Criteria: LMM Criteria. Collection method: clinical testing. Allele origin: germline. Observed: 1 variant allele.
Comment: p.Arg356Trp in exon 13 of OSBPL2: This variant is not expected to have clinical significance because it has been identified in 1.49% (123/8236) of African chrom osomes by the Exome Aggregation Consortium (ExAC ; dbSNP rs115390538).